The following is an entry in ClinVar:

ClinVar aggregate classification (germline): Uncertain significance (1 of 4 stars; one submission).

Conditions:
Hereditary nonpolyposis colorectal neoplasms. Identifiers: MedGen C0009405, MeSH D003123.

Submission:

Labcorp Genetics (formerly Invitae), Labcorp
Classification: Uncertain significance for Hereditary nonpolyposis colorectal neoplasms. Last evaluated: 2021-09-10. Review status: criteria provided, single submitter. Criteria: Invitae Variant Classification Sherloc (09022015). Collection method: clinical testing. Allele origin: germline.
Comment: This sequence change replaces alanine with serine at codon 1349 of the MSH6 protein (p.Ala1349Ser). The alanine residue is weakly conserved and there is a moderate physicochemical difference between alanine and serine. This variant has not been reported in the literature in individuals affected with MSH6-related conditions. Algorithms developed to predict the effect of missense changes on protein structure and function (SIFT, PolyPhen-2, Align-GVGD) all suggest that this variant is likely to be tolerated. In summary, the available evidence is currently insufficient to determine the role of this variant in disease. Therefore, it has been classified as a Variant of Uncertain Significance. This variant is not present in population databases (ExAC no frequency).

NM_000179.3(MSH6):c.4045G>T (p.Ala1349Ser)

Gene: MSH6 (mutS homolog 6; plus strand). Cytogenetic location: 2p16.3.
Variant type: single nucleotide variant.
Coding change: c.4045G>T on transcript NM_000179.3 (MANE Select); coding-DNA position 4045, G replaced by T.
Protein change: p.Ala1349Ser; replaces alanine 1349 with serine.
Molecular consequence: missense variant.
Genome position (GRCh38, 1-based): chr2:47,806,822, G>T. VCF-style: chr2-47806822-G-T. GRCh37 (hg19) VCF-style: chr2-48033961-G-T.
Other names: c.3655G>T, p.Ala1219Ser (NM_001281492.2); c.3139G>T, p.Ala1047Ser (NM_001281493.2, NM_001281494.2); short protein forms A1219S, A1349S, A1047S.
Identifiers: ClinVar variation 1043627 (VCV001043627.7), dbSNP rs1670217544, ClinGen allele CA346761705.